The following is an entry in ClinVar:

ClinVar aggregate classification (germline): Uncertain significance (1 of 4 stars; one submission).

gnomAD v4.1: 1 of 1,614,138 alleles (0.000062%); no homozygotes.

Submission:

Labcorp Genetics (formerly Invitae), Labcorp
Classification: Uncertain significance. Last evaluated: 2025-12-05. Review status: criteria provided, single submitter. Criteria: Invitae Variant Classification Sherloc (09022015). Collection method: clinical testing. Allele origin: germline.
Comment: This sequence change replaces aspartic acid, which is acidic and polar, with asparagine, which is neutral and polar, at codon 1705 of the ARID1B protein (p.Asp1705Asn). This variant is not present in population databases (gnomAD no frequency). This variant has not been reported in the literature in individuals affected with ARID1B-related conditions. Invitae Evidence Modeling of protein sequence and biophysical properties (such as structural, functional, and spatial information, amino acid conservation, physicochemical variation, residue mobility, and thermodynamic stability) indicates that this missense variant is not expected to disrupt ARID1B protein function with a negative predictive value of 95%. In summary, the available evidence is currently insufficient to determine the role of this variant in disease. Therefore, it has been classified as a Variant of Uncertain Significance.

NM_001374828.1(ARID1B):c.5482G>A (p.Asp1828Asn)

Gene: ARID1B (AT-rich interaction domain 1B; plus strand). Cytogenetic location: 6q25.3.
Variant type: single nucleotide variant.
Coding change: c.5482G>A on transcript NM_001374828.1 (MANE Select); coding-DNA position 5482, G replaced by A.
Protein change: p.Asp1828Asn; replaces aspartic acid 1828 with asparagine.
Molecular consequence: missense variant.
Genome position (GRCh38, 1-based): chr6:157,206,254, G>A. VCF-style: chr6-157206254-G-A. GRCh37 (hg19) VCF-style: chr6-157527388-G-A.
Other names: c.2983G>A, p.Asp995Asn (NM_001363725.2); c.5362G>A, p.Asp1788Asn (NM_001371656.1, NM_001374820.1); c.5611G>A, p.Asp1871Asn (NM_001438482.1); c.5524G>A, p.Asp1842Asn (NM_001438483.1); c.5392G>A, p.Asp1798Asn (NM_001438485.1); c.5365G>A, p.Asp1789Asn (NM_001438486.1); c.5302G>A, p.Asp1768Asn (NM_001438487.1); c.2824G>A, p.Asp942Asn (NM_001438488.1); and 1 more; short protein forms D1768N, D1775N, D1788N, D1789N, D1798N, D1828N, D1842N, D1871N.
Identifiers: ClinVar variation 4801406 (VCV004801406.1).
Genomic context (GRCh38, chr6:157,206,254, plus strand): 5'-GAGTACTTTAGAAAATGCCTGATTGACATTTTTGGAATTCTTATGGAATATGAAGTGGGA[G>A]ACCCCAGCCAAAAAGCACTTGATCACAACGCAGCAAGGAAGGATGACAGCCAGTCCTTGG-3'
Protein context (NP_001361757.1, residues 1818-1838): FGILMEYEVG[Asp1828Asn]PSQKALDHNA